The following is an entry in ClinVar:

NM_000812.4(GABRB1):c.1264G>T (p.Gly422Trp)

Gene: GABRB1 (gamma-aminobutyric acid type A receptor subunit beta1; plus strand). Cytogenetic location: 4p12.
Variant type: single nucleotide variant.
Coding change: c.1264G>T on transcript NM_000812.4 (MANE Select); coding-DNA position 1264, G replaced by T.
Protein change: p.Gly422Trp; replaces glycine 422 with tryptophan.
Molecular consequence: missense variant.
Genome position (GRCh38, 1-based): chr4:47,425,857, G>T. VCF-style: chr4-47425857-G-T. GRCh37 (hg19) VCF-style: chr4-47427874-G-T.
Other names: c.1264G>T (NM_000812.3); short protein forms G422W.
Identifiers: ClinVar variation 2092701 (VCV002092701.5), dbSNP rs748097369, ClinGen allele CA2907795.
Genomic context (GRCh38, chr4:47,425,857, plus strand): 5'-ATCCAGTACCGCAAGCCCCTGAGCAGCCGCGAGGCCTACGGGCGCGCCCTGGACCGGCAC[G>T]GGGTACCCAGCAAGGGGCGCATCCGCAGGCGTGCCTCCCAGCTCAAAGTCAAGATCCCCG-3'
Protein context (NP_000803.2, residues 412-432): EAYGRALDRH[Gly422Trp]VPSKGRIRRR

ClinVar aggregate classification (germline): Uncertain significance. Review status: criteria provided, multiple submitters, no conflicts (2 of 4 stars). 2 submissions from 2 submitters: Uncertain significance (2). Last evaluated 2025-08-11.

gnomAD v4.1: 9 of 1,613,964 alleles (0.00056%); highest among the groups gnomAD compares: African/African-American, 0.0013%; no homozygotes.

Submissions (2):

Ambry Genetics
Classification: Uncertain significance. Last evaluated: 2025-08-11. Review status: criteria provided, single submitter. Criteria: Ambry Variant Classification Scheme 2023. Collection method: clinical testing. Allele origin: germline.

Labcorp Genetics (formerly Invitae), Labcorp
Classification: Uncertain significance. Last evaluated: 2022-02-04. Review status: criteria provided, single submitter. Criteria: Invitae Variant Classification Sherloc (09022015). Collection method: clinical testing. Allele origin: germline.
Comment: In summary, the available evidence is currently insufficient to determine the role of this variant in disease. Therefore, it has been classified as a Variant of Uncertain Significance. Algorithms developed to predict the effect of missense changes on protein structure and function are either unavailable or do not agree on the potential impact of this missense change (SIFT: "Deleterious"; PolyPhen-2: "Possibly Damaging"; Align-GVGD: "Class C0"). This variant has not been reported in the literature in individuals affected with GABRB1-related conditions. This variant is present in population databases (rs748097369, gnomAD 0.007%). This sequence change replaces glycine, which is neutral and non-polar, with tryptophan, which is neutral and slightly polar, at codon 422 of the GABRB1 protein (p.Gly422Trp).